The following is an entry in ClinVar:

NM_080860.4(RSPH1):c.847C>T (p.Gln283Ter)

Gene: RSPH1 (radial spoke head component 1; minus strand). Cytogenetic location: 21q22.3.
Variant type: single nucleotide variant.
Coding change: c.847C>T on transcript NM_080860.4 (MANE Select); coding-DNA position 847, C replaced by T.
Protein change: p.Gln283Ter; replaces glutamine 283 with a stop codon.
Molecular consequence: nonsense.
Genome position (GRCh38, 1-based): chr21:42,475,928, G>A on the plus strand (C>T on the coding strand, the complement: RSPH1 is on the minus strand). VCF-style: chr21-42475928-G-A. GRCh37 (hg19) VCF-style: chr21-43896038-G-A.
Other names: c.733C>T, p.Gln245Ter (NM_001286506.2); short protein forms Q245*, Q283*.
Identifiers: ClinVar variation 852534 (VCV000852534.2), dbSNP rs2054042523, ClinGen allele CA410362003.

ClinVar aggregate classification (germline): Conflicting classifications of pathogenicity. Review status: criteria provided, conflicting classifications (1 of 4 stars). 2 submissions from 2 submitters: Likely pathogenic (1); Uncertain significance (1). Last evaluated 2020-06-03.

Conditions:
Primary ciliary dyskinesia 24 (CILD24). Also called: CILIARY DYSKINESIA, PRIMARY, 24, WITHOUT SITUS INVERSUS. Identifiers: Orphanet 244, MedGen C3809634, MONDO:0014202, OMIM 615481.
Primary ciliary dyskinesia. Also called: Ciliary dyskinesia. Identifiers: Orphanet 244, MedGen C0008780, MONDO:0016575, HP:0012265.

Allele frequency attached by ClinVar (database versions not stated): TOPMed below 0.00001.

Submissions (2):

Baylor Genetics
Classification: Likely pathogenic for Primary ciliary dyskinesia 24. Last evaluated: 2020-06-03. Review status: criteria provided, single submitter. Criteria: ACMG Guidelines, 2015. Collection method: clinical testing. Allele origin: unknown. Affected: yes.
Comment: This variant was determined to be likely pathogenic according to ACMG Guidelines, 2015 [PMID:25741868].

Labcorp Genetics (formerly Invitae), Labcorp
Classification: Uncertain significance for Primary ciliary dyskinesia. Last evaluated: 2019-03-19. Review status: criteria provided, single submitter. Criteria: Invitae Variant Classification Sherloc (09022015). Collection method: clinical testing. Allele origin: germline.
Comment: This sequence change results in a premature translational stop signal in the RSPH1 gene (p.Gln283*). While this is not anticipated to result in nonsense mediated decay, it is expected to disrupt the last 27 amino acids of the RSPH1 protein. This variant is not present in population databases (ExAC no frequency). This variant has not been reported in the literature in individuals with RSPH1-related conditions. Experimental studies and prediction algorithms are not available for this variant, and the functional significance of the affected amino acid(s) is currently unknown. In summary, the available evidence is currently insufficient to determine the role of this variant in disease. Therefore, it has been classified as a Variant of Uncertain Significance.